The following is an entry in ClinVar:

NM_018903.4(PCDHA12):c.611A>C (p.Gln204Pro)

Genes: PCDHA1 (protocadherin alpha 1; plus strand), PCDHA10 (protocadherin alpha 10; plus strand), PCDHA11 (protocadherin alpha 11; plus strand), PCDHA12 (protocadherin alpha 12; plus strand), PCDHA2 (protocadherin alpha 2; plus strand) and 8 more. Cytogenetic location: 5q31.3.
Variant type: single nucleotide variant.
Coding change: c.611A>C on transcript NM_018903.4 (MANE Select); coding-DNA position 611, A replaced by C.
Protein change: p.Gln204Pro; replaces glutamine 204 with proline.
Molecular consequence: missense variant. On other transcripts: intron variant (14).
Genome position (GRCh38, 1-based): chr5:140,876,083, A>C. VCF-style: chr5-140876083-A-C. GRCh37 (hg19) VCF-style: chr5-140255668-A-C.
Other names: c.611A>C, p.Gln204Pro (NM_031864.3); c.2394+87399A>C (NM_018900.4); c.1602+88191A>C (NM_031411.3); c.2388+78731A>C (NM_018905.3); c.2394+72492A>C (NM_018906.3); c.2385+66511A>C (NM_018907.4); c.2352+51956A>C (NM_018908.3); c.2394+45598A>C (NM_018909.4); and 7 more; short protein forms Q204P.
Identifiers: ClinVar variation 3345550 (VCV003345550.1).

ClinVar aggregate classification (germline): Likely benign (0 of 4 stars; one submission).

Conditions:
PCDHA12-related condition.

gnomAD v4.1: 1 of 1,613,974 alleles (0.000062%); highest among the groups gnomAD compares: Non-Finnish European, 0.000085%; no homozygotes.

Submission:

PreventionGenetics, part of Exact Sciences
Classification: Likely benign for PCDHA12-related condition. Last evaluated: 2024-07-20. Review status: no assertion criteria provided. Collection method: clinical testing. Allele origin: germline.
Comment: This variant is classified as likely benign based on ACMG/AMP sequence variant interpretation guidelines (Richards et al. 2015 PMID: 25741868, with internal and published modifications).